The following is an entry in ClinVar:

ClinVar aggregate classification (germline): Uncertain significance. Review status: criteria provided, multiple submitters, no conflicts (2 of 4 stars). 4 submissions from 4 submitters: Uncertain significance (3). 1 of the submissions does not count toward it. Last evaluated 2025-09-29.

Conditions:
ATP8B1-related disorder. Also called: ATP8B1-related disorders; ATP8B1-related condition.
Progressive familial intrahepatic cholestasis type 1. Also called: Severe ATP8B1 Deficiency (Progressive Familial Intrahepatic Cholestasis Type 1 [PFIC1]); Byler's disease; BYLER DISEASE. Identifiers: Orphanet 79306, MedGen C4551898, MONDO:0008892, OMIM 211600.

Allele frequency attached by ClinVar (database versions not stated): gnomAD 0.00002 and 0.00003; TOPMed 0.00005; gnomAD exomes 0.00008; ExAC 0.00012; 1000 Genomes Project 30x 0.00016; 1000 Genomes Project 0.00020.
gnomAD v4.1: 31 of 1,527,960 alleles (0.002%); highest among the groups gnomAD compares: East Asian, 0.068%; no homozygotes.

Submissions (4):

Women's Health and Genetics/Laboratory Corporation of America, LabCorp
Classification: Uncertain significance. Last evaluated: 2025-09-29. Review status: criteria provided, single submitter. Criteria: LabCorp Variant Classification Summary - May 2015. Collection method: clinical testing. Allele origin: germline.

Illumina Laboratory Services, Illumina
Classification: Uncertain significance for Progressive familial intrahepatic cholestasis type 1. Last evaluated: 2018-01-13. Review status: criteria provided, single submitter. Criteria: ICSL Variant Classification Criteria 13 December 2019. Collection method: clinical testing. Allele origin: germline.

Eurofins Ntd Llc (ga)
Classification: Uncertain significance. Last evaluated: 2016-12-19. Review status: criteria provided, single submitter. Criteria: EGL Classification Definitions 2015. Collection method: clinical testing. Allele origin: germline. Observed: 1 variant allele, 1 heterozygote.

PreventionGenetics, part of Exact Sciences
Classification: Likely benign for ATP8B1-related condition. Last evaluated: 2022-04-29. Review status: no assertion criteria provided. Collection method: clinical testing. Allele origin: germline. Not counted in ClinVar's aggregate classification.
Comment: This variant is classified as likely benign based on ACMG/AMP sequence variant interpretation guidelines (Richards et al. 2015 PMID: 25741868, with internal and published modifications).

NM_001374385.1(ATP8B1):c.1029+5T>C

Genes: ATP8B1 (ATPase phospholipid transporting 8B1; minus strand), LOC126862761 (CDK7 strongly-dependent group 2 enhancer GRCh37_chr18:55360919-55362118; plus strand). Cytogenetic location: 18q21.31.
Variant type: single nucleotide variant.
Coding change: c.1029+5T>C on transcript NM_001374385.1 (MANE Select); 5 bases into the intron after coding-DNA position 1029, T replaced by C.
Molecular consequence: intron variant.
Genome position (GRCh38, 1-based): chr18:57,694,577, A>G on the plus strand (T>C on the coding strand, the complement: ATP8B1 is on the minus strand). VCF-style: chr18-57694577-A-G. GRCh37 (hg19) VCF-style: chr18-55361809-A-G.
Other names: c.1029+5T>C (NM_005603.6); c.879+5T>C (NM_001374386.1).
Identifiers: ClinVar variation 327490 (VCV000327490.12), dbSNP rs200663890, ClinGen allele CA8974678.